The following is an entry in ClinVar:

NM_000048.4(ASL):c.466C>T (p.Pro156Ser)

Gene: ASL (argininosuccinate lyase; plus strand). Cytogenetic location: 7q11.21.
Variant type: single nucleotide variant.
Coding change: c.466C>T on transcript NM_000048.4 (MANE Select); coding-DNA position 466, C replaced by T.
Protein change: p.Pro156Ser; replaces proline 156 with serine.
Molecular consequence: missense variant.
Genome position (GRCh38, 1-based): chr7:66,086,604, C>T. VCF-style: chr7-66086604-C-T. GRCh37 (hg19) VCF-style: chr7-65551591-C-T.
Other names: c.466C>T, p.Pro156Ser (NM_001024943.2, NM_001024944.2, NM_001024946.2); short protein forms P156S.
Identifiers: ClinVar variation 4847542 (VCV004847542.1).
Genomic context (GRCh38, chr7:66,086,604, plus strand): 5'-CATGAGCCTCCACCCGAGCTTCTGCTCCTCCTCTCCCACAGGGAACGTGATGTTCTCTTC[C>T]CGGGGTACACCCATTTGCAGAGGGCCCAGCCCATCCGCTGGAGCCACTGGATTCTGAGGT-3'
Protein context (NP_000039.2, residues 146-166): RAEAERDVLF[Pro156Ser]GYTHLQRAQP

ClinVar aggregate classification (germline): Uncertain significance (1 of 4 stars; one submission).

Submission:

Women's Health and Genetics/Laboratory Corporation of America, LabCorp
Classification: Uncertain significance. Last evaluated: 2026-03-30. Review status: criteria provided, single submitter. Criteria: LabCorp Variant Classification Summary - May 2015. Collection method: clinical testing. Allele origin: germline.
Comment: Variant summary: ASL c.466C>T (p.Pro156Ser) results in a non-conservative amino acid change in the encoded protein sequence. Algorithms developed to predict the effect of missense changes on protein structure and function all suggest that this variant is likely to be disruptive. The variant was absent in 250868 control chromosomes. The available data on variant occurrences in the general population are insufficient to allow any conclusion about variant significance. To our knowledge, no occurrence of c.466C>T in individuals affected with ASL-related conditions and no experimental evidence demonstrating its impact on protein function have been reported. No submitters have cited clinical-significance assessments for this variant to ClinVar. Based on the evidence outlined above, the variant was classified as uncertain significance.